The following is an entry in ClinVar:

NM_000051.4(ATM):c.3930G>A (p.Gln1310=)

Gene: ATM (ATM serine/threonine kinase; plus strand). Cytogenetic location: 11q22.3.
Variant type: single nucleotide variant.
Coding change: c.3930G>A on transcript NM_000051.4 (MANE Select); coding-DNA position 3930, G replaced by A.
Protein change: p.Gln1310=; no amino-acid change (glutamine 1310 retained).
Molecular consequence: synonymous variant.
Genome position (GRCh38, 1-based): chr11:108,284,410, G>A. VCF-style: chr11-108284410-G-A. GRCh37 (hg19) VCF-style: chr11-108155137-G-A.
Other names: c.3930G>A, p.Gln1310= (NM_001351834.2).
Identifiers: ClinVar variation 1736269 (VCV001736269.4), dbSNP rs2135708743, ClinGen allele CA476744907.

ClinVar aggregate classification (germline): Benign/Likely benign. Review status: criteria provided, multiple submitters, no conflicts (2 of 4 stars). 3 submissions from 3 submitters: Benign (1); Likely benign (2). Last evaluated 2025-12-10.

Conditions:
Ataxia-telangiectasia syndrome (AT). Also called: LOUIS-BAR SYNDROME; Cerebello-oculocutaneous telangiectasia; Immunodeficiency with ataxia telangiectasia; Ataxia-telangiectasia, complementation group D; AT, COMPLEMENTATION GROUP C; ATAXIA-TELANGIECTASIA, COMPLEMENTATION GROUP A. Identifiers: Orphanet 100, MedGen C0004135, MONDO:0008840, OMIM 208900.
Hereditary cancer-predisposing syndrome. Also called: Neoplastic Syndromes, Hereditary; Tumor predisposition; Hereditary Cancer Syndrome; Hereditary neoplastic syndrome. Identifiers: Orphanet 140162, MedGen C0027672, MeSH D009386, MONDO:0015356.
Familial cancer of breast. Also called: BREAST CANCER, FAMILIAL; Hereditary breast cancer; hereditary breast carcinoma. Identifiers: Orphanet 227535, MedGen C0346153, MONDO:0016419, OMIM 114480. Disease mechanism: loss of function.

Submissions (3):

Labcorp Genetics (formerly Invitae), Labcorp
Classification: Likely benign for Ataxia-telangiectasia syndrome. Last evaluated: 2025-12-10. Review status: criteria provided, single submitter. Criteria: Invitae Variant Classification Sherloc (09022015). Collection method: clinical testing. Allele origin: germline.

Myriad Genetics, Inc.
Classification: Benign for Familial cancer of breast. Last evaluated: 2024-05-15. Review status: criteria provided, single submitter. Criteria: Myriad Autosomal Dominant, Autosomal Recessive and X-Linked Classification Criteria (2023). Collection method: clinical testing. Allele origin: unknown.
Comment: This variant is considered benign. This variant is a silent/synonymous amino acid change and it is not expected to impact splicing.

Ambry Genetics
Classification: Likely benign for Hereditary cancer-predisposing syndrome. Last evaluated: 2021-04-17. Review status: criteria provided, single submitter. Criteria: Ambry Variant Classification Scheme 2023. Collection method: clinical testing. Allele origin: germline.